The following is an entry in ClinVar:

ClinVar aggregate classification (germline): Benign/Likely benign. Review status: criteria provided, multiple submitters, no conflicts (2 of 4 stars). 8 submissions from 8 submitters: Benign (4); Likely benign (4). Last evaluated 2026-01-12.

Conditions:
Collagen 6-related myopathy. Identifiers: MedGen CN117976, MONDO:0100225.
Bethlem myopathy 1A. Also called: MYOPATHY, BENIGN CONGENITAL, WITH CONTRACTURES; Bethlem myopathy 1; Bethlem Muscular Dystrophy. Identifiers: Orphanet 610, MedGen CN029274, MONDO:0024530, OMIM 158810.

Allele frequency attached by ClinVar (database versions not stated): gnomAD exomes 0.00075; ExAC 0.00188; gnomAD 0.00305 and 0.00313; TOPMed 0.00370; ESP Exome Variant Server 0.00409; 1000 Genomes Project 0.00419; 1000 Genomes Project 30x 0.00484.
gnomAD v4.1: 930 of 1,590,020 alleles (0.058%); highest among the groups gnomAD compares: African/African-American, 1.1%; 5 homozygotes.

Submissions (8):

Labcorp Genetics (formerly Invitae), Labcorp
Classification: Benign for Bethlem myopathy 1A. Last evaluated: 2026-01-12. Review status: criteria provided, single submitter. Criteria: Invitae Variant Classification Sherloc (09022015). Collection method: clinical testing. Allele origin: germline.

CeGaT Center for Human Genetics Tuebingen
Classification: Likely benign. Last evaluated: 2025-10-01. Review status: criteria provided, single submitter. Criteria: CeGaT Center For Human Genetics Tuebingen Variant Classification Criteria Version 2. Collection method: clinical testing. Allele origin: germline. Affected: yes. Observed: 3 variant alleles.
Comment: COL6A1: BP4, BP7, BS1

Blueprint Genetics
Classification: Likely benign. Last evaluated: 2024-11-25. Review status: criteria provided, single submitter. Criteria: ACMG Guidelines, 2015. Collection method: clinical testing. Allele origin: germline.

GeneDx
Classification: Likely benign. Last evaluated: 2020-07-10. Review status: criteria provided, single submitter. Criteria: GeneDx Variant Classification Process June 2021. Collection method: clinical testing. Allele origin: germline. Affected: yes.

Illumina Laboratory Services, Illumina
Classification: Benign for Collagen VI-related myopathy. Last evaluated: 2018-01-12. Review status: criteria provided, single submitter. Criteria: ICSL Variant Classification Criteria 13 December 2019. Collection method: clinical testing. Allele origin: germline.
Comment: This variant was observed in the ICSL laboratory as part of a predisposition screen in an ostensibly healthy population. It had not been previously curated by ICSL or reported in the Human Gene Mutation Database (HGMD: prior to June 1st, 2018), and was therefore a candidate for classification through an automated scoring system. Utilizing variant allele frequency, disease prevalence and penetrance estimates, and inheritance mode, an automated score was calculated to assess if this variant is too frequent to cause the disease. Based on the score and internal cut-off values, a variant classified as benign is not then subjected to further curation. The score for this variant resulted in a classification of benign for this disease.

Eurofins Ntd Llc (ga)
Classification: Benign. Last evaluated: 2012-08-24. Review status: criteria provided, single submitter. Criteria: EGL Classification Definitions 2015. Collection method: clinical testing. Allele origin: germline. Observed: 2 variant alleles, 2 heterozygotes.

Breakthrough Genomics
Classification: Likely benign. Review status: criteria provided, single submitter. Criteria: ACMG Guidelines, 2015. Collection method: not provided. Allele origin: germline. Inheritance: Autosomal recessive inheritance. Affected: yes.

PreventionGenetics, part of Exact Sciences
Classification: Benign. Review status: criteria provided, single submitter. Criteria: ACMG Guidelines, 2015. Collection method: clinical testing. Allele origin: germline.

NM_001848.3(COL6A1):c.1518T>C (p.Gly506=)

Gene: COL6A1 (collagen type VI alpha 1 chain; plus strand). Cytogenetic location: 21q22.3.
Variant type: single nucleotide variant.
Coding change: c.1518T>C on transcript NM_001848.3 (MANE Select); coding-DNA position 1518, T replaced by C.
Protein change: p.Gly506=; no amino-acid change (glycine 506 retained).
Molecular consequence: synonymous variant.
Genome position (GRCh38, 1-based): chr21:45,997,756, T>C. VCF-style: chr21-45997756-T-C. GRCh37 (hg19) VCF-style: chr21-47417670-T-C.
Identifiers: ClinVar variation 93819 (VCV000093819.47), dbSNP rs35134265, ClinGen allele CA147330.
Genomic context (GRCh38, chr21:45,997,756, plus strand): 5'-TCAGGGTGCCAGAGGAGCCCCAGGACCTGCCGGACCCCCTGGAGACCCGGGGCTGATGGG[T>C]GAAAGGGTGAGTGTCCAACAGCTCGGGCCCTAGGGCGGAGGCCTGGCCGCCAGAGGCCCT-3'
Protein context (NP_001839.2, residues 496-516): AGPPGDPGLM[Gly506=]ERGEDGPAGN